The following is an entry in ClinVar:

NM_007078.3(LDB3):c.859+5G>C

Gene: LDB3 (LIM domain binding 3; plus strand). Cytogenetic location: 10q23.2.
Variant type: single nucleotide variant.
Coding change: c.859+5G>C on transcript NM_007078.3 (MANE Select); 5 bases into the intron after coding-DNA position 859, G replaced by C.
Molecular consequence: intron variant.
Genome position (GRCh38, 1-based): chr10:86,692,070, G>C. VCF-style: chr10-86692070-G-C. GRCh37 (hg19) VCF-style: chr10-88451827-G-C.
Other names: c.859+5G>C (NM_001368064.1, NM_001368063.1, NM_001368065.1 and 1 more transcripts); c.718+5G>C (NM_001368068.1, NM_001368066.1, NM_001080114.2 and 2 more transcripts); c.1063+5G>C (NM_001171610.2, NM_001171611.2).
Identifiers: ClinVar variation 1723369 (VCV001723369.3), dbSNP rs2492678915, ClinGen allele CA2580082066.

ClinVar aggregate classification (germline): Uncertain significance. Review status: criteria provided, multiple submitters, no conflicts (2 of 4 stars). 2 submissions from 2 submitters: Uncertain significance (2). Last evaluated 2025-06-11.

Conditions:
Myofibrillar myopathy 4. Also called: Zaspopathy (type). Identifiers: Orphanet 98912, MedGen C4721886, MONDO:0012277, OMIM 609452.

Submissions (2):

Labcorp Genetics (formerly Invitae), Labcorp
Classification: Uncertain significance for Myofibrillar myopathy 4. Last evaluated: 2025-06-11. Review status: criteria provided, single submitter. Criteria: Invitae Variant Classification Sherloc (09022015). Collection method: clinical testing. Allele origin: germline.
Comment: This sequence change falls in intron 6 of the LDB3 gene. It does not directly change the encoded amino acid sequence of the LDB3 protein. It affects a nucleotide within the consensus splice site. This variant is not present in population databases (gnomAD no frequency). This variant has not been reported in the literature in individuals affected with LDB3-related conditions. ClinVar contains an entry for this variant (Variation ID: 1723369). Variants that disrupt the consensus splice site are a relatively common cause of aberrant splicing (PMID: 17576681, 9536098). Algorithms developed to predict the effect of sequence changes on RNA splicing suggest that this variant may disrupt the consensus splice site. In summary, the available evidence is currently insufficient to determine the role of this variant in disease. Therefore, it has been classified as a Variant of Uncertain Significance.

Women's Health and Genetics/Laboratory Corporation of America, LabCorp
Classification: Uncertain significance. Last evaluated: 2022-10-22. Review status: criteria provided, single submitter. Criteria: LabCorp Variant Classification Summary - May 2015. Collection method: clinical testing. Allele origin: germline.

Literature cited by the submitters: PubMed 17576681 (cited by Labcorp Genetics (formerly Invitae), Labcorp); PubMed 9536098 (cited by Labcorp Genetics (formerly Invitae), Labcorp).